The following is an entry in ClinVar:

ClinVar aggregate classification (germline): Likely pathogenic (1 of 4 stars; one submission).

Conditions:
Juvenile retinoschisis (RS1). Also called: X-linked retinoschisis; X-Linked Juvenile Retinoschisis. Identifiers: Orphanet 792, MedGen C3714753, MONDO:0010725, OMIM 312700.

Submission:

Institute of Human Genetics, University of Leipzig Medical Center
Classification: Likely pathogenic for Juvenile retinoschisis. Last evaluated: 2026-03-04. Review status: criteria provided, single submitter. Criteria: ACMG Guidelines, 2015. Collection method: clinical testing. Allele origin: unknown. Inheritance: X-linked recessive inheritance. Affected: yes.
Comment: Criteria applied: PVS1,PM2_SUP

NM_000330.4(RS1):c.333del (p.Trp112fs)

Genes: CDKL5 (cyclin dependent kinase like 5; plus strand), RS1 (retinoschisin 1; minus strand). Cytogenetic location: Xp22.13.
Variant type: Deletion.
Coding change: c.333del on transcript NM_000330.4 (MANE Select); coding-DNA position 333, one base deleted (C; older notation c.333delC).
Protein change: p.Trp112fs; shifts the reading frame from tryptophan 112.
Molecular consequence: frameshift variant. On other transcripts: intron variant (2).
Genome position (GRCh38, 1-based): chrX:18,644,619, G deleted on the plus strand (C on the coding strand, the reverse complement: RS1 is on the minus strand); the first of 2 consecutive G bases (chrX:18,644,619-18,644,620); deleting either gives the same sequence. VCF-style (leftmost placement, unchanged base first): chrX-18644618-AG-A. GRCh37 (hg19) VCF-style: chrX-18662738-AG-A.
Other names: c.2714-1387del (NM_003159.3, NM_001037343.2); short protein forms W112fs.
Identifiers: ClinVar variation 4845392 (VCV004845392.1).
Genomic context (GRCh38, chrX:18,644,618, plus strand): 5'-CTTTGATCTCCTTCAGATCTATCTGTAACCACTGGCTACTGTCCTGGAACTTGGAGAGCC[AG>A]GCACACCTGCCGAGAACATACCGAGTCACCGAGAGACTCCCCCTGTGCATGTCTGCAAAA-3'